The following is an entry in ClinVar:

NM_006950.3(SYN1):c.1025C>A (p.Ala342Glu)

Gene: SYN1 (synapsin I; minus strand). Cytogenetic location: Xp11.3.
Variant type: single nucleotide variant.
Coding change: c.1025C>A on transcript NM_006950.3 (MANE Select); coding-DNA position 1025, C replaced by A.
Protein change: p.Ala342Glu; replaces alanine 342 with glutamic acid.
Molecular consequence: missense variant.
Genome position (GRCh38, 1-based): chrX:47,576,362, G>T on the plus strand (C>A on the coding strand, the complement: SYN1 is on the minus strand). VCF-style: chrX-47576362-G-T. GRCh37 (hg19) VCF-style: chrX-47435761-G-T.
Other names: c.1025C>A, p.Ala342Glu (NM_133499.2); short protein forms A342E.
Identifiers: ClinVar variation 2784833 (VCV002784833.3), dbSNP rs762189745, ClinGen allele CA412826681.

ClinVar aggregate classification (germline): Uncertain significance (1 of 4 stars; one submission).

Conditions:
Epilepsy, X-linked 1, with variable learning disabilities and behavior disorders. Also called: X-linked epilepsy-learning disabilities-behavior disorders syndrome. Identifiers: Orphanet 85294, MedGen C5774177, MONDO:0010339, OMIM 300491.

gnomAD v4.1: 1 of 1,211,670 alleles (0.000083%); highest among the groups gnomAD compares: Non-Finnish European, 0.00011%; no homozygotes.

Submission:

Labcorp Genetics (formerly Invitae), Labcorp
Classification: Uncertain significance for Epilepsy, X-linked 1, with variable learning disabilities and behavior disorders. Last evaluated: 2023-08-29. Review status: criteria provided, single submitter. Criteria: Invitae Variant Classification Sherloc (09022015). Collection method: clinical testing. Allele origin: germline.
Comment: In summary, the available evidence is currently insufficient to determine the role of this variant in disease. Therefore, it has been classified as a Variant of Uncertain Significance. An algorithm developed to predict the effect of missense changes on protein structure and function (PolyPhen-2) suggests that this variant is likely to be disruptive. This variant has not been reported in the literature in individuals affected with SYN1-related conditions. This variant is not present in population databases (gnomAD no frequency). This sequence change replaces alanine, which is neutral and non-polar, with glutamic acid, which is acidic and polar, at codon 342 of the SYN1 protein (p.Ala342Glu).